The following is an entry in ClinVar:

NM_002834.5(PTPN11):c.632A>G (p.Gln211Arg)

Gene: PTPN11 (protein tyrosine phosphatase non-receptor type 11; plus strand). Cytogenetic location: 12q24.13.
Variant type: single nucleotide variant.
Coding change: c.632A>G on transcript NM_002834.5 (MANE Select); coding-DNA position 632, A replaced by G.
Protein change: p.Gln211Arg; replaces glutamine 211 with arginine.
Molecular consequence: missense variant.
Genome position (GRCh38, 1-based): chr12:112,454,670, A>G. VCF-style: chr12-112454670-A-G. GRCh37 (hg19) VCF-style: chr12-112892474-A-G.
Other names: c.632A>G, p.Gln211Arg (NM_001330437.2, NM_080601.3); c.629A>G, p.Gln210Arg (NM_001374625.1); short protein forms Q210R, Q211R.
Identifiers: ClinVar variation 4825458 (VCV004825458.1).

ClinVar aggregate classification (germline): Uncertain significance (1 of 4 stars; one submission).

Conditions:
Cardiovascular phenotype. Identifiers: MedGen CN230736.

Submission:

Ambry Genetics
Classification: Uncertain significance for Cardiovascular phenotype. Last evaluated: 2026-02-17. Review status: criteria provided, single submitter. Criteria: Ambry Variant Classification Scheme 2023. Collection method: clinical testing. Allele origin: germline.
Comment: The p.Q211R variant (also known as c.632A>G), located in coding exon 5 of the PTPN11 gene, results from an A to G substitution at nucleotide position 632. The glutamine at codon 211 is replaced by arginine, an amino acid with highly similar properties. This amino acid position is conserved. In addition, the in silico prediction for this alteration is inconclusive. Based on the available evidence, the clinical significance of this variant remains unclear.